The following is an entry in ClinVar:

ClinVar aggregate classification (germline): Conflicting classifications of pathogenicity. Review status: criteria provided, conflicting classifications (1 of 4 stars). 5 submissions from 4 submitters: Uncertain significance (4); Likely benign (1). Last evaluated 2025-04-17.

Conditions:
Cardiovascular phenotype. Identifiers: MedGen CN230736.
Hereditary cancer-predisposing syndrome. Also called: Hereditary Cancer Syndrome; Neoplastic Syndromes, Hereditary; Tumor predisposition; Hereditary neoplastic syndrome. Identifiers: Orphanet 140162, MedGen C0027672, MeSH D009386, MONDO:0015356.
Juvenile myelomonocytic leukemia (JMML). Also called: LEUKEMIA, JUVENILE MYELOMONOCYTIC, SOMATIC. Identifiers: Orphanet 86834, MedGen C0349639, MONDO:0011908, OMIM 607785, HP:0012209.
Neurofibromatosis, type 1 (NF1). Also called: Neurofibromatosis, type I; VON RECKLINGHAUSEN DISEASE; NEUROFIBROMATOSIS, TYPE I, SOMATIC; Peripheral type neurofibromatosis. Identifiers: Orphanet 636, MedGen C0027831, MONDO:0018975, OMIM 162200. Disease mechanism: loss of function.

Allele frequency attached by ClinVar (database versions not stated): TOPMed below 0.00001.
gnomAD v4.1: 15 of 1,614,100 alleles (0.00093%); highest among the groups gnomAD compares: African/African-American, 0.0013%; no homozygotes.

Submissions (5):

Labcorp Genetics (formerly Invitae), Labcorp
Classification: Likely benign for Neurofibromatosis, type 1. Last evaluated: 2025-04-17. Review status: criteria provided, single submitter. Criteria: Invitae Variant Classification Sherloc (09022015). Collection method: clinical testing. Allele origin: germline.

Baylor Genetics
Classification: Uncertain significance for Juvenile myelomonocytic leukemia. Last evaluated: 2023-09-20. Review status: criteria provided, single submitter. Criteria: ACMG Guidelines, 2015. Collection method: clinical testing. Allele origin: unknown.

Genome-Nilou Lab
Classification: Uncertain significance for Neurofibromatosis, type 1. Last evaluated: 2022-03-15. Review status: criteria provided, single submitter. Criteria: ACMG Guidelines, 2015. Collection method: clinical testing. Allele origin: germline. Affected: no.

Ambry Genetics
Classification: Uncertain significance for Cardiovascular phenotype; Hereditary cancer-predisposing syndrome. Last evaluated: 2021-04-29. Review status: criteria provided, single submitter. Criteria: Ambry Variant Classification Scheme 2023. Collection method: clinical testing. Allele origin: germline.

Ambry Genetics
Classification: Uncertain significance for Hereditary cancer-predisposing syndrome. Last evaluated: 2015-05-22. Review status: criteria provided, single submitter. Criteria: Ambry Autosomal Dominant and X-Linked criteria (10/2015). Collection method: clinical testing. Allele origin: germline. Observed: 1 variant allele.
Comment: The p.R125C variant (also known as c.373C>T), located in coding exon 4 of the NF1 gene, results from a C to T substitution at nucleotide position 373. The arginine at codon 125 is replaced by cysteine, an amino acid with highly dissimilar properties. This variant was not reported in population based cohorts in the following databases: Database of Single Nucleotide Polymorphisms (dbSNP), NHLBI Exome Sequencing Project (ESP), and 1000 Genomes Project. In the ESP, this variant was not observed in 6503 samples (13006 alleles) with coverage at this position. To date, this alteration has been detected with an allele frequency of approximately 0.002% (greater than 55000alleles tested) in our clinical cohort.This amino acid position is highly conserved in available vertebrate species. In addition, this alteration is predicted to be deleterious by in silico analysis.Since supporting evidence is limited at this time, the clinical significance of p.R125Cremains unclear.

NM_001042492.3(NF1):c.373C>T (p.Arg125Cys)

Gene: NF1 (neurofibromin 1; plus strand). Cytogenetic location: 17q11.2.
Variant type: single nucleotide variant.
Coding change: c.373C>T on transcript NM_001042492.3 (MANE Select); coding-DNA position 373, C replaced by T.
Protein change: p.Arg125Cys; replaces arginine 125 with cysteine.
Molecular consequence: missense variant.
Genome position (GRCh38, 1-based): chr17:31,163,270, C>T. VCF-style: chr17-31163270-C-T. GRCh37 (hg19) VCF-style: chr17-29490288-C-T.
Other names: c.373C>T, p.Arg125Cys (NM_000267.4, NM_001128147.3); short protein forms R125C.
Identifiers: ClinVar variation 231872 (VCV000231872.15), dbSNP rs876659418, ClinGen allele CA10580188.
Genomic context (GRCh38, chr17:31,163,270, plus strand): 5'-GATGAAACGATGCTGGTCAAACAGTTGCTGCCAGAAATCTGCCATTTTCTTCACACCTGT[C>T]GTGAAGGAAACCAGCATGCAGCTGAACTTCGGAATTCTGCCTCTGGGGTTTTATTTTCTC-3'
Protein context (NP_001035957.1, residues 115-135): PEICHFLHTC[Arg125Cys]EGNQHAAELR